The following is an entry in ClinVar:

ClinVar aggregate classification (germline): Uncertain significance (1 of 4 stars; one submission).

Conditions:
Hereditary cancer-predisposing syndrome. Also called: Hereditary Cancer Syndrome; Hereditary neoplastic syndrome; Tumor predisposition; Neoplastic Syndromes, Hereditary. Identifiers: Orphanet 140162, MedGen C0027672, MeSH D009386, MONDO:0015356.

Submission:

Ambry Genetics
Classification: Uncertain significance for Hereditary cancer-predisposing syndrome. Last evaluated: 2017-07-12. Review status: criteria provided, single submitter. Criteria: Ambry Variant Classification Scheme 2023. Collection method: clinical testing. Allele origin: germline.
Comment: The p.N827S variant (also known as c.2480A>G), located in coding exon 4 of the MSH6 gene, results from an A to G substitution at nucleotide position 2480. The asparagine at codon 827 is replaced by serine, an amino acid with highly similar properties. This amino acid position is not well conserved in available vertebrate species, and serine is the reference amino acid in other vertebrate species. In addition, this alteration is predicted to be tolerated by in silico analysis. In addition, the CoDP in silico tool predicts this alteration to have minor impact on molecular function, with a score of 0.052 (Terui H et al. J. Biomed. Sci. 2013 Apr;20:25). Since supporting evidence is limited at this time, the clinical significance of this alteration remains unclear.

NM_000179.3(MSH6):c.2480A>G (p.Asn827Ser)

Gene: MSH6 (mutS homolog 6; plus strand). Cytogenetic location: 2p16.3.
Variant type: single nucleotide variant.
Coding change: c.2480A>G on transcript NM_000179.3 (MANE Select); coding-DNA position 2480, A replaced by G.
Protein change: p.Asn827Ser; replaces asparagine 827 with serine.
Molecular consequence: missense variant.
Genome position (GRCh38, 1-based): chr2:47,800,463, A>G. VCF-style: chr2-47800463-A-G. GRCh37 (hg19) VCF-style: chr2-48027602-A-G.
Other names: c.2090A>G, p.Asn697Ser (NM_001281492.2); c.1574A>G, p.Asn525Ser (NM_001281493.2, NM_001281494.2, NM_001406811.1 and 6 more transcripts); c.2576A>G, p.Asn859Ser (NM_001406795.1, NM_001406802.1); c.2480A>G, p.Asn827Ser (NM_001406796.1, NM_001406798.1, NM_001406800.1 and 2 more transcripts); c.2183A>G, p.Asn728Ser (NM_001406797.1, NM_001406801.1, NM_001406805.1 and 10 more transcripts); c.1955A>G, p.Asn652Ser (NM_001406799.1, NM_001406806.1, NM_001406807.1); c.2402A>G, p.Asn801Ser (NM_001406804.1); c.2486A>G, p.Asn829Ser (NM_001406813.1); and 1 more; short protein forms N859S, N525S, N652S, N697S, N827S, N771S, N728S, N801S.
Identifiers: ClinVar variation 1791909 (VCV001791909.2), dbSNP rs1558665569, ClinGen allele CA346754167.